The following is an entry in ClinVar:

ClinVar aggregate classification (germline): Likely benign. Review status: criteria provided, multiple submitters, no conflicts (2 of 4 stars). 3 submissions from 3 submitters: Likely benign (3). Last evaluated 2025-10-01.

Conditions:
Hereditary hemochromatosis (HFE). Identifiers: MedGen C0392514, MONDO:0006507. Disease mechanism: loss of function.

Allele frequency attached by ClinVar (database versions not stated): gnomAD exomes 0.00001; gnomAD 0.00005; TOPMed 0.00005; ESP Exome Variant Server 0.00008.
gnomAD v4.1: 21 of 1,614,056 alleles (0.0013%); highest among the groups gnomAD compares: African/African-American, 0.02%; no homozygotes.

Submissions (3):

CeGaT Center for Human Genetics Tuebingen
Classification: Likely benign. Last evaluated: 2025-10-01. Review status: criteria provided, single submitter. Criteria: CeGaT Center For Human Genetics Tuebingen Variant Classification Criteria Version 2. Collection method: clinical testing. Allele origin: germline. Affected: yes. Observed: 1 variant allele.
Comment: HFE: BP4, BP7

Labcorp Genetics (formerly Invitae), Labcorp
Classification: Likely benign for Hereditary hemochromatosis. Last evaluated: 2025-07-30. Review status: criteria provided, single submitter. Criteria: Invitae Variant Classification Sherloc (09022015). Collection method: clinical testing. Allele origin: germline.

Blueprint Genetics
Classification: Likely benign. Last evaluated: 2024-05-02. Review status: criteria provided, single submitter. Criteria: ACMG Guidelines, 2015. Collection method: clinical testing. Allele origin: germline.

NM_000410.4(HFE):c.843G>A (p.Thr281=)

Gene: HFE (homeostatic iron regulator; plus strand). Cytogenetic location: 6p22.2.
Variant type: single nucleotide variant.
Coding change: c.843G>A on transcript NM_000410.4 (MANE Select); coding-DNA position 843, G replaced by A.
Protein change: p.Thr281=; no amino-acid change (threonine 281 retained).
Molecular consequence: synonymous variant. On other transcripts: intron variant (1).
Genome position (GRCh38, 1-based): chr6:26,092,911, G>A. VCF-style: chr6-26092911-G-A. GRCh37 (hg19) VCF-style: chr6-26093139-G-A.
Other names: c.843G>A, p.Thr281= (NM_001300749.3, NM_001384164.1); c.834G>A, p.Thr278= (NM_001406751.1); c.579G>A, p.Thr193= (NM_001406752.1, NM_139007.3); c.525G>A, p.Thr175= (NM_139003.3); c.567G>A, p.Thr189= (NM_139004.3); c.801G>A, p.Thr267= (NM_139006.3); c.537G>A, p.Thr179= (NM_139008.3); c.774G>A, p.Thr258= (NM_139009.3); and 2 more.
Identifiers: ClinVar variation 1633402 (VCV001633402.16), dbSNP rs369354634, ClinGen allele CA136293099.